The following is an entry in ClinVar:

ClinVar aggregate classification (germline): Uncertain significance (1 of 4 stars; one submission).

Conditions:
T-cell immunodeficiency, congenital alopecia, and nail dystrophy. Also called: Congenital alopecia and nail dystrophy associated with severe functional T-cell immunodeficiency; Pignata Guarino syndrome. Identifiers: Orphanet 169095, MedGen C1866426, MONDO:0011132, OMIM 601705.

gnomAD v4.1: 1 of 1,613,830 alleles (0.000062%); highest among the groups gnomAD compares: Non-Finnish European, 0.000085%; no homozygotes.

Submission:

Labcorp Genetics (formerly Invitae), Labcorp
Classification: Uncertain significance for T-cell immunodeficiency, congenital alopecia, and nail dystrophy. Last evaluated: 2022-11-07. Review status: criteria provided, single submitter. Criteria: Invitae Variant Classification Sherloc (09022015). Collection method: clinical testing. Allele origin: germline.
Comment: In summary, the available evidence is currently insufficient to determine the role of this variant in disease. Therefore, it has been classified as a Variant of Uncertain Significance. Advanced modeling of protein sequence and biophysical properties (such as structural, functional, and spatial information, amino acid conservation, physicochemical variation, residue mobility, and thermodynamic stability) performed at Invitae indicates that this missense variant is not expected to disrupt FOXN1 protein function. This variant has not been reported in the literature in individuals affected with FOXN1-related conditions. This variant is not present in population databases (gnomAD no frequency). This sequence change replaces leucine, which is neutral and non-polar, with histidine, which is basic and polar, at codon 479 of the FOXN1 protein (p.Leu479His).

NM_001369369.1(FOXN1):c.1436T>A (p.Leu479His)

Gene: FOXN1 (forkhead box N1; plus strand). Cytogenetic location: 17q11.2.
Variant type: single nucleotide variant.
Coding change: c.1436T>A on transcript NM_001369369.1 (MANE Select); coding-DNA position 1436, T replaced by A.
Protein change: p.Leu479His; replaces leucine 479 with histidine.
Molecular consequence: missense variant.
Genome position (GRCh38, 1-based): chr17:28,535,007, T>A. VCF-style: chr17-28535007-T-A. GRCh37 (hg19) VCF-style: chr17-26862025-T-A.
Other names: c.1436T>A, p.Leu479His (NM_003593.3); short protein forms L479H.
Identifiers: ClinVar variation 2729452 (VCV002729452.3), dbSNP rs1489958411, ClinGen allele CA398326439.